The following is an entry in ClinVar:

NM_000264.5(PTCH1):c.2080C>G (p.Gln694Glu)

Genes: PTCH1 (patched 1; minus strand), LOC100507346 (uncharacterized LOC100507346; plus strand). Cytogenetic location: 9q22.32.
Variant type: single nucleotide variant.
Coding change: c.2080C>G on transcript NM_000264.5 (MANE Select); coding-DNA position 2080, C replaced by G.
Protein change: p.Gln694Glu; replaces glutamine 694 with glutamic acid.
Molecular consequence: missense variant. On other transcripts: non-coding transcript variant (2).
Genome position (GRCh38, 1-based): chr9:95,468,921, G>C on the plus strand (C>G on the coding strand, the complement: PTCH1 is on the minus strand). VCF-style: chr9-95468921-G-C. GRCh37 (hg19) VCF-style: chr9-98231203-G-C.
Other names: c.1882C>G, p.Gln628Glu (NM_001083602.3); c.2077C>G, p.Gln693Glu (NM_001083603.3); c.1627C>G, p.Gln543Glu (NM_001083604.3, NM_001083605.3, NM_001083606.3 and 1 more transcripts); c.1924C>G, p.Gln642Glu (NM_001354918.2); short protein forms Q642E, Q693E, Q543E, Q628E, Q694E.
Identifiers: ClinVar variation 1919953 (VCV001919953.5), dbSNP rs1840292996, ClinGen allele CA374115704.

ClinVar aggregate classification (germline): Uncertain significance (1 of 4 stars; one submission).

Conditions:
Gorlin syndrome. Also called: Basal cell nevus syndrome; Nevoid Basal Cell Carcinoma Syndrome. Identifiers: Orphanet 377, MedGen C0004779, MONDO:0007187.

Submission:

Labcorp Genetics (formerly Invitae), Labcorp
Classification: Uncertain significance for Gorlin syndrome. Last evaluated: 2022-04-01. Review status: criteria provided, single submitter. Criteria: Invitae Variant Classification Sherloc (09022015). Collection method: clinical testing. Allele origin: germline.
Comment: This variant is not present in population databases (gnomAD no frequency). This variant has not been reported in the literature in individuals affected with PTCH1-related conditions. Advanced modeling of protein sequence and biophysical properties (such as structural, functional, and spatial information, amino acid conservation, physicochemical variation, residue mobility, and thermodynamic stability) performed at Invitae indicates that this missense variant is not expected to disrupt PTCH1 protein function. In summary, the available evidence is currently insufficient to determine the role of this variant in disease. Therefore, it has been classified as a Variant of Uncertain Significance. This sequence change replaces glutamine, which is neutral and polar, with glutamic acid, which is acidic and polar, at codon 694 of the PTCH1 protein (p.Gln694Glu).